The following is an entry in ClinVar:

ClinVar aggregate classification (germline): Uncertain significance. Review status: criteria provided, multiple submitters, no conflicts (2 of 4 stars). 2 submissions from 2 submitters: Uncertain significance (2). Last evaluated 2026-04-14.

Conditions:
Familial intrahepatic cholestasis. Identifiers: Orphanet 284385, MedGen CN296401, MONDO:0017290.

Submissions (2):

Genomenon, Inc
Classification: Uncertain significance for Familial intrahepatic cholestasis. Last evaluated: 2026-04-14. Review status: criteria provided, single submitter. Criteria: Genomenon Sequence Variant Interpretation Standards - Updated. Collection method: curation. Allele origin: germline. Affected: yes.
Comment: ABCB11 p.Ala214Thr (c.640G>A) is a missense variant that changes the amino acid at residue 214 from Alanine to Threonine. This variant has been observed in at least one proband with an ABCB11-related disorder (PMID:39768432;35780807). It is absent or not present at a significant frequency in gnomAD. In silico models predict that this variant is possibly or probably damaging. In conclusion, we classify ABCB11 p.Ala214Thr (c.640G>A) as a variant of uncertain significance.

CeGaT Center for Human Genetics Tuebingen
Classification: Uncertain significance. Last evaluated: 2019-11-01. Review status: criteria provided, single submitter. Criteria: CeGaT Center For Human Genetics Tuebingen Variant Classification Criteria Version 2. Collection method: clinical testing. Allele origin: germline. Affected: yes. Observed: 3 variant alleles.

Literature cited by the submitters: PubMed 39768432 (cited by Genomenon, Inc); PubMed 35780807 (cited by Genomenon, Inc).

NM_003742.4(ABCB11):c.640G>A (p.Ala214Thr)

Gene: ABCB11 (ATP binding cassette subfamily B member 11; minus strand). Cytogenetic location: 2q31.1.
Variant type: single nucleotide variant.
Coding change: c.640G>A on transcript NM_003742.4 (MANE Select); coding-DNA position 640, G replaced by A.
Protein change: p.Ala214Thr; replaces alanine 214 with threonine.
Molecular consequence: missense variant.
Genome position (GRCh38, 1-based): chr2:168,993,854, C>T on the plus strand (G>A on the coding strand, the complement: ABCB11 is on the minus strand). VCF-style: chr2-168993854-C-T. GRCh37 (hg19) VCF-style: chr2-169850364-C-T.
Other names: short protein forms A214T.
Identifiers: ClinVar variation 808882 (VCV000808882.43), dbSNP rs1573953443, ClinGen allele CA349129194.